The following is an entry in ClinVar:

ClinVar aggregate classification (germline): Conflicting classifications of pathogenicity. Review status: criteria provided, conflicting classifications (1 of 4 stars). 5 submissions from 5 submitters: Uncertain significance (3); Likely benign (2). Last evaluated 2025-09-19.

Conditions:
Hereditary cancer-predisposing syndrome. Also called: Hereditary neoplastic syndrome; Neoplastic Syndromes, Hereditary; Tumor predisposition; Hereditary Cancer Syndrome. Identifiers: Orphanet 140162, MedGen C0027672, MeSH D009386, MONDO:0015356.
Familial adenomatous polyposis 1 (FAP1). Also called: POLYPOSIS, ADENOMATOUS INTESTINAL; FAMILIAL ADENOMATOUS POLYPOSIS 1, ATTENUATED. Identifiers: MedGen C2713442, MONDO:0021056, OMIM 175100. Disease mechanism: loss of function.
Classic or attenuated familial adenomatous polyposis. Identifiers: MedGen CN372698, MONDO:0021057.

Allele frequency attached by ClinVar (database versions not stated): ExAC 0.00001; gnomAD exomes 0.00001 and 0.00002.
gnomAD v4.1: 10 of 1,613,890 alleles (0.00062%); highest among the groups gnomAD compares: Admixed American, 0.005%; no homozygotes.

Submissions (5):

Labcorp Genetics (formerly Invitae), Labcorp
Classification: Uncertain significance for Familial adenomatous polyposis 1. Last evaluated: 2025-09-19. Review status: criteria provided, single submitter. Criteria: Invitae Variant Classification Sherloc (09022015). Collection method: clinical testing. Allele origin: germline.
Comment: This sequence change replaces glutamic acid, which is acidic and polar, with alanine, which is neutral and non-polar, at codon 2208 of the APC protein (p.Glu2208Ala). This variant is present in population databases (rs777612081, gnomAD 0.01%). This variant has not been reported in the literature in individuals affected with APC-related conditions. ClinVar contains an entry for this variant (Variation ID: 470055). Invitae Evidence Modeling of protein sequence and biophysical properties (such as structural, functional, and spatial information, amino acid conservation, physicochemical variation, residue mobility, and thermodynamic stability) indicates that this missense variant is not expected to disrupt APC protein function with a negative predictive value of 95%. In summary, the available evidence is currently insufficient to determine the role of this variant in disease. Therefore, it has been classified as a Variant of Uncertain Significance.

Color Diagnostics, LLC DBA Color Health
Classification: Likely benign for Hereditary cancer-predisposing syndrome. Last evaluated: 2024-11-26. Review status: criteria provided, single submitter. Criteria: ACMG Guidelines, 2015. Collection method: clinical testing. Allele origin: germline.

Baylor Genetics
Classification: Uncertain significance for Familial adenomatous polyposis 1. Last evaluated: 2024-01-30. Review status: criteria provided, single submitter. Criteria: ACMG Guidelines, 2015. Collection method: clinical testing. Allele origin: unknown.

All of Us Research Program, National Institutes of Health
Classification: Uncertain significance for Classic or attenuated familial adenomatous polyposis. Last evaluated: 2023-11-30. Review status: criteria provided, single submitter. Criteria: ACMG Guidelines, 2015. Collection method: clinical testing. Allele origin: germline. Inheritance: Autosomal dominant inheritance. Observed: 3 variant alleles, 3 heterozygotes.
Comment: This missense variant replaces glutamic acid with alanine at codon 2208 of the APC protein. Computational prediction suggests that this variant may not impact protein structure and function (internally defined REVEL score threshold <= 0.5, PMID: 27666373). To our knowledge, functional studies have not been reported for this variant. This variant has not been reported in individuals affected with APC-related disorders in the literature. This variant has been identified in 5/249488 chromosomes in the general population by the Genome Aggregation Database (gnomAD). The available evidence is insufficient to determine the role of this variant in disease conclusively. Therefore, this variant is classified as a Variant of Uncertain Significance.

This study involves interpretation of variants in research participants for the purpose of population health screening. Participant phenotype was not available at the time of variant classification. Additional details can be found in publication PMID: 35346344, PMCID: PMC8962531

Ambry Genetics
Classification: Likely benign for Hereditary cancer-predisposing syndrome. Last evaluated: 2022-02-22. Review status: criteria provided, single submitter. Criteria: Ambry Variant Classification Scheme 2023. Collection method: clinical testing. Allele origin: germline.

Literature cited by the submitters: PubMed 29212164 (cited by Ambry Genetics).

NM_000038.6(APC):c.6623A>C (p.Glu2208Ala)

Gene: APC (APC regulator of Wnt signaling pathway; plus strand). Cytogenetic location: 5q22.2.
Variant type: single nucleotide variant.
Coding change: c.6623A>C on transcript NM_000038.6 (MANE Select); coding-DNA position 6623, A replaced by C.
Protein change: p.Glu2208Ala; replaces glutamic acid 2208 with alanine.
Molecular consequence: missense variant.
Genome position (GRCh38, 1-based): chr5:112,842,217, A>C. VCF-style: chr5-112842217-A-C. GRCh37 (hg19) VCF-style: chr5-112177914-A-C.
Other names: c.6623A>C, p.Glu2208Ala (NM_001127510.3, NM_001354895.2); c.6569A>C, p.Glu2190Ala (NM_001127511.3); c.6677A>C, p.Glu2226Ala (NM_001354896.2); c.6653A>C, p.Glu2218Ala (NM_001354897.2); c.6548A>C, p.Glu2183Ala (NM_001354898.2); c.6539A>C, p.Glu2180Ala (NM_001354899.2); c.6500A>C, p.Glu2167Ala (NM_001354900.2); c.6446A>C, p.Glu2149Ala (NM_001354901.2); and 5 more; short protein forms E2190A, E2208A, E1925A, E2082A, E2180A, E2149A, E2167A, E2218A.
Identifiers: ClinVar variation 470055 (VCV000470055.24), dbSNP rs777612081, ClinGen allele CA045546.